The following is an entry in ClinVar:

NM_003764.4(STX11):c.581_584del (p.Leu194fs)

Gene: STX11 (syntaxin 11; plus strand). Cytogenetic location: 6q24.2.
Variant type: Deletion.
Coding change: c.581_584del on transcript NM_003764.4 (MANE Select); coding-DNA positions 581 to 584, 4 bases deleted (TGGC; older notation c.581_584delTGGC).
Protein change: p.Leu194fs; shifts the reading frame from leucine 194.
Molecular consequence: frameshift variant.
Genome position (GRCh38, 1-based): chr6:144,187,208-144,187,211, TGGC deleted; deleting any 4 consecutive bases within chr6:144,187,206-144,187,211 gives the same sequence; the c. name uses the placement nearest the transcript's 3' end. VCF-style (leftmost placement, unchanged base first): chr6-144187205-TGCTG-T. GRCh37 (hg19) VCF-style: chr6-144508342-TGCTG-T.
Other names: short protein forms L194fs.
Identifiers: ClinVar variation 802280 (VCV000802280.4), dbSNP rs1584062332, ClinGen allele CA915944442.
Genomic context (GRCh38, chr6:144,187,205, plus strand): 5'-CGGGCGACCAGATCGAGGACATGTTCGAGCAGGGTAAGTGGGACGTGTTTTCCGAGAACT[TGCTG>T]GCCGACGTGAAGGGCGCGCGGGCCGCCCTCAACGAGATCGAGAGCCGCCACCGCGAACTG-3'

ClinVar aggregate classification (germline): Pathogenic. Review status: criteria provided, multiple submitters, no conflicts (2 of 4 stars). 2 submissions from 2 submitters: Pathogenic (2). Last evaluated 2023-03-10.

Conditions:
Familial hemophagocytic lymphohistiocytosis 4 (FHL4). Also called: STX11-Related Familial Hemophagocytic Lymphohistiocytosis (STX11-fHLH). Identifiers: Orphanet 540, MedGen C1863728, MONDO:0011336, OMIM 603552.

Submissions (2):

Labcorp Genetics (formerly Invitae), Labcorp
Classification: Pathogenic for Familial hemophagocytic lymphohistiocytosis 4. Last evaluated: 2023-03-10. Review status: criteria provided, single submitter. Criteria: Invitae Variant Classification Sherloc (09022015). Collection method: clinical testing. Allele origin: germline.
Comment: This variant disrupts a region of the STX11 protein in which other variant(s) (p.Gln268*) have been determined to be pathogenic (PMID: 16582076, 17525286). This suggests that this is a clinically significant region of the protein, and that variants that disrupt it are likely to be disease-causing. ClinVar contains an entry for this variant (Variation ID: 802280). For these reasons, this variant has been classified as Pathogenic. This premature translational stop signal has been observed in individual(s) with hemophagocytic lymphohistiocytosis (PMID: 19967551). This variant is not present in population databases (gnomAD no frequency). This sequence change creates a premature translational stop signal (p.Leu194Profs*3) in the STX11 gene. While this is not anticipated to result in nonsense mediated decay, it is expected to disrupt the last 94 amino acid(s) of the STX11 protein.

Mendelics
Classification: Pathogenic for Familial hemophagocytic lymphohistiocytosis 4. Last evaluated: 2019-05-28. Review status: criteria provided, single submitter. Criteria: Mendelics Assertion Criteria 2017. Collection method: clinical testing. Allele origin: unknown.

Literature cited by the submitters: PubMed 16582076 (cited by Labcorp Genetics (formerly Invitae), Labcorp); PubMed 17525286 (cited by Labcorp Genetics (formerly Invitae), Labcorp); PubMed 19967551 (cited by Labcorp Genetics (formerly Invitae), Labcorp).